The following is an entry in ClinVar:

ClinVar aggregate classification (germline): Uncertain significance (1 of 4 stars; one submission).

Allele frequency attached by ClinVar (database versions not stated): gnomAD 0.00001; gnomAD exomes 0.00001; TOPMed 0.00001.
gnomAD v4.1: 17 of 1,614,090 alleles (0.0011%); highest among the groups gnomAD compares: Non-Finnish European, 0.0014%; no homozygotes.

Submission:

Labcorp Genetics (formerly Invitae), Labcorp
Classification: Uncertain significance. Last evaluated: 2024-10-12. Review status: criteria provided, single submitter. Criteria: Invitae Variant Classification Sherloc (09022015). Collection method: clinical testing. Allele origin: germline.
Comment: This sequence change replaces asparagine, which is neutral and polar, with serine, which is neutral and polar, at codon 648 of the CTNNB1 protein (p.Asn648Ser). This variant is present in population databases (rs755534201, gnomAD 0.0009%). This variant has not been reported in the literature in individuals affected with CTNNB1-related conditions. Invitae Evidence Modeling of protein sequence and biophysical properties (such as structural, functional, and spatial information, amino acid conservation, physicochemical variation, residue mobility, and thermodynamic stability) indicates that this missense variant is expected to disrupt CTNNB1 protein function with a positive predictive value of 80%. In summary, the available evidence is currently insufficient to determine the role of this variant in disease. Therefore, it has been classified as a Variant of Uncertain Significance.

NM_001904.4(CTNNB1):c.1943A>G (p.Asn648Ser)

Gene: CTNNB1 (catenin beta 1; plus strand). Cytogenetic location: 3p22.1.
Variant type: single nucleotide variant.
Coding change: c.1943A>G on transcript NM_001904.4 (MANE Select); coding-DNA position 1943, A replaced by G.
Protein change: p.Asn648Ser; replaces asparagine 648 with serine.
Molecular consequence: missense variant.
Genome position (GRCh38, 1-based): chr3:41,236,488, A>G. VCF-style: chr3-41236488-A-G. GRCh37 (hg19) VCF-style: chr3-41277979-A-G.
Other names: c.1943A>G, p.Asn648Ser (NM_001098209.2, NM_001098210.2); c.1922A>G, p.Asn641Ser (NM_001330729.2); short protein forms N648S, N641S.
Identifiers: ClinVar variation 2734488 (VCV002734488.3), dbSNP rs755534201, ClinGen allele CA74096610.